The following is an entry in ClinVar:

NM_000179.3(MSH6):c.3690A>G (p.Ala1230=)

Gene: MSH6 (mutS homolog 6; plus strand). Cytogenetic location: 2p16.3.
Variant type: single nucleotide variant.
Coding change: c.3690A>G on transcript NM_000179.3 (MANE Select); coding-DNA position 3690, A replaced by G.
Protein change: p.Ala1230=; no amino-acid change (alanine 1230 retained).
Molecular consequence: synonymous variant.
Genome position (GRCh38, 1-based): chr2:47,806,247, A>G. VCF-style: chr2-47806247-A-G. GRCh37 (hg19) VCF-style: chr2-48033386-A-G.
Other names: c.3300A>G, p.Ala1100= (NM_001281492.2); c.2784A>G, p.Ala928= (NM_001281493.2, NM_001281494.2).
Identifiers: ClinVar variation 1159370 (VCV001159370.14), dbSNP rs370947877, ClinGen allele CA425997824.

ClinVar aggregate classification (germline): Benign/Likely benign. Review status: criteria provided, multiple submitters, no conflicts (2 of 4 stars). 5 submissions from 5 submitters: Benign (1); Likely benign (4). Last evaluated 2025-01-07.

Conditions:
Hereditary cancer-predisposing syndrome. Also called: Neoplastic Syndromes, Hereditary; Hereditary Cancer Syndrome; Tumor predisposition; Hereditary neoplastic syndrome. Identifiers: Orphanet 140162, MedGen C0027672, MeSH D009386, MONDO:0015356.
Mismatch repair cancer syndrome 3. Identifiers: MedGen C5436807, MONDO:0030841, OMIM 619097.
Hereditary nonpolyposis colorectal neoplasms. Identifiers: MedGen C0009405, MeSH D003123.
Lynch syndrome 5 (LYNCH5). Also called: Colorectal cancer, hereditary nonpolyposis, type 5; Hereditary non-polyposis colorectal cancer, type 5. Identifiers: Orphanet 144, MedGen C1833477, MONDO:0013710, OMIM 614350. Disease mechanism: loss of function.

gnomAD v4.1: 1 of 1,614,100 alleles (0.000062%); highest among the groups gnomAD compares: South Asian, 0.0011%; no homozygotes.

Submissions (5):

Myriad Genetics, Inc.
Classification: Benign for Lynch syndrome 5. Last evaluated: 2025-01-07. Review status: criteria provided, single submitter. Criteria: Myriad Autosomal Dominant, Autosomal Recessive and X-Linked Classification Criteria (2023). Collection method: clinical testing. Allele origin: unknown.
Comment: This variant is considered benign. This variant is a silent/synonymous amino acid change and it is not expected to impact splicing.

Blueprint Genetics
Classification: Likely benign. Last evaluated: 2023-10-20. Review status: criteria provided, single submitter. Criteria: ACMG Guidelines, 2015. Collection method: clinical testing. Allele origin: germline.

Labcorp Genetics (formerly Invitae), Labcorp
Classification: Likely benign for Hereditary nonpolyposis colorectal neoplasms. Last evaluated: 2021-02-17. Review status: criteria provided, single submitter. Criteria: Invitae Variant Classification Sherloc (09022015). Collection method: clinical testing. Allele origin: germline.

Ambry Genetics
Classification: Likely benign for Hereditary cancer-predisposing syndrome. Last evaluated: 2021-01-26. Review status: criteria provided, single submitter. Criteria: Ambry Variant Classification Scheme 2023. Collection method: clinical testing. Allele origin: germline.

Department of Pathology and Laboratory Medicine, Sinai Health System
Classification: Likely benign for Mismatch repair cancer syndrome 3. Last evaluated: 2020-03-20. Review status: criteria provided, single submitter. Criteria: ACMG Guidelines, 2015. Collection method: clinical testing. Allele origin: germline. Affected: yes.